The following is an entry in ClinVar:

ClinVar aggregate classification (germline): Pathogenic/Likely pathogenic. Review status: criteria provided, multiple submitters, no conflicts (2 of 4 stars). 7 submissions from 7 submitters: Pathogenic (4); Likely pathogenic (2). 1 of the submissions does not count toward it. Last evaluated 2025-05-05.

Conditions:
CRYBA1-related disorder. Also called: CRYBA1-related condition.
Cataract 10 multiple types. Also called: CATARACT 10, CONGENITAL ZONULAR, WITH SUTURAL OPACITIES. Identifiers: Orphanet 91492, MedGen C1833229, MONDO:0010948, OMIM 600881.

Submissions (7):

Labcorp Genetics (formerly Invitae), Labcorp
Classification: Pathogenic for Cataract 10 multiple types. Last evaluated: 2025-05-05. Review status: criteria provided, single submitter. Criteria: Invitae Variant Classification Sherloc (09022015). Collection method: clinical testing. Allele origin: germline.
Comment: This variant, c.272_274del, results in the deletion of 1 amino acid(s) of the CRYBA1 protein (p.Gly91del), but otherwise preserves the integrity of the reading frame. This variant is not present in population databases (gnomAD no frequency). This variant has been observed in individual(s) with congenital cataracts (PMID: 14669215, 15016766, 17653060, 21866213, 28120589, 28450710). In at least one individual the variant was observed to be de novo. It has also been observed to segregate with disease in related individuals. ClinVar contains an entry for this variant (Variation ID: 425127). Algorithms developed to predict the effect of variants on gene product structure and function are not available or were not evaluated for this variant. Experimental studies have shown that this variant affects CRYBA1 function (PMID: 15016766, 20300566). For these reasons, this variant has been classified as Pathogenic.

PreventionGenetics, part of Exact Sciences
Classification: Pathogenic for CRYBA1-related condition. Last evaluated: 2025-01-14. Review status: criteria provided, single submitter. Criteria: ACMG Guidelines, 2015. Collection method: clinical testing. Allele origin: germline.
Comment: The CRYBA1 c.272_274delGAG variant is predicted to result in an in-frame deletion (p.Gly91del). This variant was reported in numerous individuals and families with congenital cataracts (Li et al. 2019. PubMed ID: 31488069; Lu. 2007. PubMed ID: 17653060; Reddy et al. 2004. PubMed ID: 15016766; Sun et al. 2011. PubMed ID: 21866213). Functional studies of this variant have shown that it leads to lower expression levels and aggregation of the CRYBA1 protein (Li et al. 2019. PubMed ID: 31488069; Reddy et al. 2004. PubMed ID: 15016766; Xu et al. 2010. PubMed ID: 20300566). This variant has not been reported in a large population database (gnomAD), indicating this variant is rare. This variant is interpreted as pathogenic.

Molecular Medicine, University of Pavia
Classification: Likely pathogenic for Cataract 10 multiple types. Last evaluated: 2023-07-28. Review status: criteria provided, single submitter. Criteria: ACMG Guidelines, 2015. Collection method: research. Allele origin: maternal. Affected: yes. Observed: 2 variant alleles.

GeneDx
Classification: Pathogenic. Last evaluated: 2023-04-04. Review status: criteria provided, single submitter. Criteria: GeneDx Variant Classification Process June 2021. Collection method: clinical testing. Allele origin: germline. Affected: yes.
Comment: Published functional studies demonstrate a damaging effect with reduced solubility, defective folding, and reduced expression (Reddy et al., 2004; Li et al., 2019); In-frame deletion of 1 amino acid in a non-repeat region; In silico analysis supports a deleterious effect on protein structure/function; Not observed in large population cohorts (gnomAD); This variant is associated with the following publications: (PMID: 15111599, 25148791, 17653060, 14669215, 27628848, 28450710, 15558493, 24384146, 18587492, 21866213, 21686330, 34419537, 29364738, 28120589, 15016766, 31488069, 33243271)

Blueprint Genetics
Classification: Pathogenic for CRYBA1-related disorders. Last evaluated: 2022-07-20. Review status: criteria provided, single submitter. Criteria: ACMG Guidelines, 2015. Collection method: clinical testing. Allele origin: germline. Affected: yes. Observed: 2 variant alleles.

CeGaT Center for Human Genetics Tuebingen
Classification: Likely pathogenic. Last evaluated: 2016-11-01. Review status: criteria provided, single submitter. Criteria: CeGaT Center For Human Genetics Tuebingen Variant Classification Criteria Version 2. Collection method: clinical testing. Allele origin: germline. Affected: yes. Observed: 2 variant alleles.

OMIM
Classification: Pathogenic for CATARACT 10, MULTIPLE TYPES. Last evaluated: 2004-05-01. Review status: no assertion criteria provided. Collection method: literature only. Allele origin: germline. Not counted in ClinVar's aggregate classification.

Literature cited by the submitters: PubMed 14669215 (cited by Labcorp Genetics (formerly Invitae), Labcorp); PubMed 15016766 (cited by Labcorp Genetics (formerly Invitae), Labcorp and OMIM); PubMed 17653060 (cited by Labcorp Genetics (formerly Invitae), Labcorp); PubMed 21866213 (cited by Labcorp Genetics (formerly Invitae), Labcorp); PubMed 28120589 (cited by Labcorp Genetics (formerly Invitae), Labcorp); PubMed 28450710 (cited by Labcorp Genetics (formerly Invitae), Labcorp); PubMed 20300566 (cited by Labcorp Genetics (formerly Invitae), Labcorp); PubMed 14598164 (cited by OMIM).

NM_005208.5(CRYBA1):c.269GAG[1] (p.Gly91del)

Gene: CRYBA1 (crystallin beta A1; plus strand). Cytogenetic location: 17q11.2.
Variant type: Microsatellite.
Coding change: c.269GAG[1] on transcript NM_005208.5 (MANE Select); one copy of the 3-base unit GAG starting at c.269; the reference has two copies in a row; one copy, 3 bases deleted; also written c.272_274del.
Protein change: p.Gly91del; deletes glycine 91.
Molecular consequence: inframe deletion.
Genome position (GRCh38, 1-based): chr17:29,252,120-29,252,122, GAG deleted; deleting any 3 consecutive bases within chr17:29,252,117-29,252,122 gives the same sequence; the position shown is the placement nearest the transcript's 3' end. VCF-style (leftmost placement, unchanged base first): chr17-29252116-AGAG-A. GRCh37 (hg19) VCF-style: chr17-27579134-AGAG-A.
Other names: c.272_274del (NM_005208.4); c.272_274delGAG (NM_005208.5, NM_005208.4); short protein forms G91del.
Identifiers: ClinVar variation 425127 (VCV000425127.66), dbSNP rs1064797219, ClinGen allele CA16621704.